The following is an entry in ClinVar:

NM_002016.2(FLG):c.8287C>T (p.Gln2763Ter)

Genes: FLG (filaggrin; minus strand), CCDST (cervical cancer associated DHX9 suppressive transcript; plus strand). Cytogenetic location: 1q21.3.
Variant type: single nucleotide variant.
Coding change: c.8287C>T on transcript NM_002016.2 (MANE Select); coding-DNA position 8287, C replaced by T.
Protein change: p.Gln2763Ter; replaces glutamine 2763 with a stop codon.
Molecular consequence: nonsense.
Genome position (GRCh38, 1-based): chr1:152,306,599, G>A on the plus strand (C>T on the coding strand, the complement: FLG is on the minus strand). VCF-style: chr1-152306599-G-A. GRCh37 (hg19) VCF-style: chr1-152279075-G-A.
Other names: short protein forms Q2763*.
Identifiers: ClinVar variation 3777386 (VCV003777386.1).

ClinVar aggregate classification (germline): Pathogenic (1 of 4 stars; one submission).

Submission:

GeneDx
Classification: Pathogenic. Last evaluated: 2024-10-10. Review status: criteria provided, single submitter. Criteria: GeneDx Variant Classification Process June 2021. Collection method: clinical testing. Allele origin: germline. Affected: yes.
Comment: Nonsense variant predicted to result in protein truncation, as the last 1299 amino acids are lost, and other loss-of-function variants have been reported downstream in HGMD; Not observed at significant frequency in large population cohorts (gnomAD); Has not been previously published as pathogenic or benign to our knowledge; This variant is associated with the following publications: (PMID: 16444271)